The following is an entry in ClinVar:

NM_001330260.2(SCN8A):c.3819+13C>G

Gene: SCN8A (sodium voltage-gated channel alpha subunit 8; plus strand). Cytogenetic location: 12q13.13.
Variant type: single nucleotide variant.
Coding change: c.3819+13C>G on transcript NM_001330260.2 (MANE Select); 13 bases into the intron after coding-DNA position 3819, C replaced by G.
Molecular consequence: intron variant.
Genome position (GRCh38, 1-based): chr12:51,774,375, C>G. VCF-style: chr12-51774375-C-G. GRCh37 (hg19) VCF-style: chr12-52168159-C-G.
Other names: c.3819+13C>G (NM_014191.4, NM_001177984.3, NM_001369788.1).
Identifiers: ClinVar variation 506963 (VCV000506963.11), dbSNP rs754542157, ClinGen allele CA6571677.

ClinVar aggregate classification (germline): Likely benign. Review status: criteria provided, multiple submitters, no conflicts (2 of 4 stars). 4 submissions from 4 submitters: Likely benign (4). Last evaluated 2025-08-20.

Conditions:
Early-infantile DEE. Also called: Ohtahara syndrome; Early infantile epileptic encephalopathy; Early infantile epileptic encephalopathy with suppression bursts. Identifiers: Orphanet 1934, MedGen C0393706, MONDO:0800491.

Allele frequency attached by ClinVar (database versions not stated): gnomAD exomes 0.00001; gnomAD 0.00004; TOPMed 0.00005.
gnomAD v4.1: 10 of 1,591,186 alleles (0.00063%); highest among the groups gnomAD compares: African/African-American, 0.011%; no homozygotes.

Submissions (4):

Labcorp Genetics (formerly Invitae), Labcorp
Classification: Likely benign for Early-infantile DEE. Last evaluated: 2025-08-20. Review status: criteria provided, single submitter. Criteria: Invitae Variant Classification Sherloc (09022015). Collection method: clinical testing. Allele origin: germline.

Women's Health and Genetics/Laboratory Corporation of America, LabCorp
Classification: Likely benign. Last evaluated: 2025-06-26. Review status: criteria provided, single submitter. Criteria: LabCorp Variant Classification Summary - May 2015. Collection method: clinical testing. Allele origin: germline.

ARUP Laboratories, Molecular Genetics and Genomics, ARUP Laboratories
Classification: Likely benign. Last evaluated: 2024-09-17. Review status: criteria provided, single submitter. Criteria: ARUP Molecular Germline Variant Investigation Process 2024. Collection method: clinical testing. Allele origin: germline.

GeneDx
Classification: Likely benign. Last evaluated: 2017-01-25. Review status: criteria provided, single submitter. Criteria: GeneDx Variant Classification (06012015). Collection method: clinical testing. Allele origin: germline. Affected: yes.
Comment: This variant is considered likely benign or benign based on one or more of the following criteria: it is a conservative change, it occurs at a poorly conserved position in the protein, it is predicted to be benign by multiple in silico algorithms, and/or has population frequency not consistent with disease.